The following is an entry in ClinVar:

ClinVar aggregate classification (germline): Likely benign (1 of 4 stars; one submission).

Allele frequency attached by ClinVar (database versions not stated): 1000 Genomes Project 0.00120; 1000 Genomes Project 30x 0.00156; gnomAD 0.00460; ESP Exome Variant Server 0.00542.
gnomAD v4.1: 9,854 of 1,596,922 alleles (0.62%); highest among the groups gnomAD compares: Non-Finnish European, 0.74%; 32 homozygotes.

Submissions (3):

CeGaT Center for Human Genetics Tuebingen
Classification: Likely benign. Last evaluated: 2022-06-01. Review status: criteria provided, single submitter. Criteria: CeGaT Center For Human Genetics Tuebingen Variant Classification Criteria Version 2. Collection method: clinical testing. Allele origin: germline. Affected: yes. Observed: 1 variant allele.
Comment: TMC3: BP4, BS2

Dr. Peter K. Rogan Lab, Western University
No classification provided (evidence only). Condition: Thyroid cancer, nonmedullary, 1. Review status: no classification provided. Collection method: in vitro. Allele origin: not applicable. Functional consequence: retained intron. Not counted in ClinVar's aggregate classification.

Dr. Peter K. Rogan Lab, Western University
No classification provided (evidence only). Condition: Ovarian serous cystadenocarcinoma. Review status: no classification provided. Collection method: in vitro. Allele origin: not applicable. Functional consequence: retained intron. Not counted in ClinVar's aggregate classification.

NM_001080532.3(TMC3):c.1020G>A (p.Val340=)

Genes: TMC3 (transmembrane channel like 3; minus strand), TMC3-AS1 (TMC3 antisense RNA 1; plus strand). Cytogenetic location: 15q25.1.
Variant type: single nucleotide variant.
Coding change: c.1020G>A on transcript NM_001080532.3 (MANE Select); coding-DNA position 1020, G replaced by A.
Protein change: p.Val340=; no amino-acid change (valine 340 retained).
Molecular consequence: synonymous variant.
Genome position (GRCh38, 1-based): chr15:81,351,757, C>T on the plus strand (G>A on the coding strand, the complement: TMC3 is on the minus strand). VCF-style: chr15-81351757-C-T. GRCh37 (hg19) VCF-style: chr15-81644098-C-T.
Other names: NC_000015.9:g.81644098C>T.
Identifiers: ClinVar variation 2645636 (VCV002645636.25), dbSNP rs143929525, ClinGen allele CA7696759.